The following is an entry in ClinVar:

ClinVar aggregate classification (germline): Uncertain significance (1 of 4 stars; one submission).

Submission:

Labcorp Genetics (formerly Invitae), Labcorp
Classification: Uncertain significance. Last evaluated: 2023-08-04. Review status: criteria provided, single submitter. Criteria: Invitae Variant Classification Sherloc (09022015). Collection method: clinical testing. Allele origin: germline.
Comment: This sequence change replaces leucine, which is neutral and non-polar, with arginine, which is basic and polar, at codon 1153 of the UNC80 protein (p.Leu1153Arg). This variant is not present in population databases (gnomAD no frequency). This variant has not been reported in the literature in individuals affected with UNC80-related conditions. ClinVar contains an entry for this variant (Variation ID: 1481861). An algorithm developed to predict the effect of missense changes on protein structure and function (PolyPhen-2) suggests that this variant is likely to be disruptive. In summary, the available evidence is currently insufficient to determine the role of this variant in disease. Therefore, it has been classified as a Variant of Uncertain Significance.

NM_001371986.1(UNC80):c.3452T>G (p.Leu1151Arg)

Gene: UNC80 (unc-80 homolog, NALCN channel complex subunit; plus strand). Cytogenetic location: 2q34.
Variant type: single nucleotide variant.
Coding change: c.3452T>G on transcript NM_001371986.1 (MANE Select); coding-DNA position 3452, T replaced by G.
Protein change: p.Leu1151Arg; replaces leucine 1151 with arginine.
Molecular consequence: missense variant.
Genome position (GRCh38, 1-based): chr2:209,842,444, T>G. VCF-style: chr2-209842444-T-G. GRCh37 (hg19) VCF-style: chr2-210707168-T-G.
Other names: c.3458T>G, p.Leu1153Arg (NM_032504.2); c.3443T>G, p.Leu1148Arg (NM_182587.4); short protein forms L1148R, L1151R, L1153R.
Identifiers: ClinVar variation 1481861 (VCV001481861.4), dbSNP rs2124823069, ClinGen allele CA350732426.